The following is an entry in ClinVar:

ClinVar aggregate classification (germline): Uncertain significance (1 of 4 stars; one submission).

gnomAD v4.1: 1 of 1,614,130 alleles (0.000062%); highest among the groups gnomAD compares: African/African-American, 0.0013%; no homozygotes.

Submission:

CeGaT Center for Human Genetics Tuebingen
Classification: Uncertain significance. Last evaluated: 2025-02-01. Review status: criteria provided, single submitter. Criteria: CeGaT Center For Human Genetics Tuebingen Variant Classification Criteria Version 2. Collection method: clinical testing. Allele origin: germline. Affected: yes. Observed: 1 variant allele.
Comment: KCNK4: PM2, BP4

NM_033310.3(KCNK4):c.412G>A (p.Val138Ile)

Genes: KCNK4 (potassium two pore domain channel subfamily K member 4; plus strand), KCNK4-CATSPERZ (KCNK4-CATSPERZ readthrough (NMD candidate); plus strand). Cytogenetic location: 11q13.1.
Variant type: single nucleotide variant.
Coding change: c.412G>A on transcript NM_033310.3 (MANE Select); coding-DNA position 412, G replaced by A.
Protein change: p.Val138Ile; replaces valine 138 with isoleucine.
Molecular consequence: missense variant. On other transcripts: non-coding transcript variant (3).
Genome position (GRCh38, 1-based): chr11:64,297,217, G>A. VCF-style: chr11-64297217-G-A. GRCh37 (hg19) VCF-style: chr11-64064689-G-A.
Other names: c.412G>A, p.Val138Ile (NM_001317090.2); short protein forms V138I.
Identifiers: ClinVar variation 3771789 (VCV003771789.13).